The following is an entry in ClinVar:

NM_198859.4(PRICKLE2):c.661T>C (p.Cys221Arg)

Gene: PRICKLE2 (prickle planar cell polarity protein 2; minus strand). Cytogenetic location: 3p14.1.
Variant type: single nucleotide variant.
Coding change: c.661T>C on transcript NM_198859.4 (MANE Select); coding-DNA position 661, T replaced by C.
Protein change: p.Cys221Arg; replaces cysteine 221 with arginine.
Molecular consequence: missense variant.
Genome position (GRCh38, 1-based): chr3:64,153,308, A>G on the plus strand (T>C on the coding strand, the complement: PRICKLE2 is on the minus strand). VCF-style: chr3-64153308-A-G. GRCh37 (hg19) VCF-style: chr3-64138984-A-G.
Other names: c.661T>C, p.Cys221Arg (NM_001370528.1); short protein forms C221R.
Identifiers: ClinVar variation 2721868 (VCV002721868.3), dbSNP rs2471167019, ClinGen allele CA353433957.

ClinVar aggregate classification (germline): Uncertain significance (1 of 4 stars; one submission).

Conditions:
Progressive myoclonic epilepsy type 5. Identifiers: Orphanet 402082, MedGen C5190799.

Submission:

Labcorp Genetics (formerly Invitae), Labcorp
Classification: Uncertain significance for Progressive myoclonic epilepsy type 5. Last evaluated: 2024-12-24. Review status: criteria provided, single submitter. Criteria: Invitae Variant Classification Sherloc (09022015). Collection method: clinical testing. Allele origin: germline.
Comment: This sequence change replaces cysteine, which is neutral and slightly polar, with arginine, which is basic and polar, at codon 221 of the PRICKLE2 protein (p.Cys221Arg). This variant is not present in population databases (gnomAD no frequency). This variant has not been reported in the literature in individuals affected with PRICKLE2-related conditions. ClinVar contains an entry for this variant (Variation ID: 2721868). Invitae Evidence Modeling of protein sequence and biophysical properties (such as structural, functional, and spatial information, amino acid conservation, physicochemical variation, residue mobility, and thermodynamic stability) indicates that this missense variant is not expected to disrupt PRICKLE2 protein function with a negative predictive value of 80%. In summary, the available evidence is currently insufficient to determine the role of this variant in disease. Therefore, it has been classified as a Variant of Uncertain Significance.